The following is an entry in ClinVar:

NM_177438.3(DICER1):c.2111A>G (p.Lys704Arg)

Gene: DICER1 (dicer 1, ribonuclease III; minus strand). Cytogenetic location: 14q32.13.
Variant type: single nucleotide variant.
Coding change: c.2111A>G on transcript NM_177438.3 (MANE Select); coding-DNA position 2111, A replaced by G.
Protein change: p.Lys704Arg; replaces lysine 704 with arginine.
Molecular consequence: missense variant.
Genome position (GRCh38, 1-based): chr14:95,112,177, T>C on the plus strand (A>G on the coding strand, the complement: DICER1 is on the minus strand). VCF-style: chr14-95112177-T-C. GRCh37 (hg19) VCF-style: chr14-95578514-T-C.
Other names: c.2111A>G, p.Lys704Arg (NM_001195573.1, NM_001271282.3, NM_001291628.2 and 1 more transcripts); short protein forms K704R.
Identifiers: ClinVar variation 479638 (VCV000479638.20), dbSNP rs749428279, ClinGen allele CA7331318.

ClinVar aggregate classification (germline): Uncertain significance. Review status: criteria provided, multiple submitters, no conflicts (2 of 4 stars). 7 submissions from 7 submitters: Uncertain significance (7). Last evaluated 2025-10-14.

Conditions:
DICER1-related disorder. Also called: DICER1-related condition.
Global developmental delay - lung cysts - overgrowth - Wilms tumor syndrome. Also called: GLOBAL DEVELOPMENTAL DELAY, LUNG CYSTS, OVERGROWTH, AND WILMS TUMOR; GLOW Syndrome. Identifiers: Orphanet 404476, MedGen C4748924, MONDO:0018445, OMIM 618272.
DICER1-related tumor predisposition. Also called: DICER1 syndrome; DICER1-related pleuropulmonary blastoma cancer predisposition syndrome. Identifiers: Orphanet 284343, MedGen C3839822, MONDO:0100216.
Hereditary cancer-predisposing syndrome. Also called: Neoplastic Syndromes, Hereditary; Hereditary Cancer Syndrome; Tumor predisposition; Hereditary neoplastic syndrome. Identifiers: Orphanet 140162, MedGen C0027672, MeSH D009386, MONDO:0015356.

Allele frequency attached by ClinVar (database versions not stated): TOPMed 0.00001; ExAC 0.00002; gnomAD exomes 0.00002 and 0.00004.

Submissions (7):

Quest Diagnostics Nichols Institute San Juan Capistrano
Classification: Uncertain significance. Last evaluated: 2025-10-14. Review status: criteria provided, single submitter. Criteria: Quest Diagnostics criteria. Collection method: clinical testing. Allele origin: unknown.
Comment: The DICER1 c.2111A>G (p.Lys704Arg) variant has not been reported in individuals with DICER1-related conditions in the published literature. The frequency of this variant in the general population (Genome Aggregation Database) is uninformative in the assessment of its pathogenicity. Analysis of this variant using bioinformatics tools for the prediction of the effect of amino acid changes on protein structure and function yielded predictions that this variant is benign. Based on the available information, we are unable to determine the clinical significance of this variant.

Ambry Genetics
Classification: Uncertain significance for Hereditary cancer-predisposing syndrome. Last evaluated: 2025-02-03. Review status: criteria provided, single submitter. Criteria: Ambry Variant Classification Scheme 2023. Collection method: clinical testing. Allele origin: germline.
Comment: The p.K704R variant (also known as c.2111A>G), located in coding exon 12 of the DICER1 gene, results from an A to G substitution at nucleotide position 2111. The lysine at codon 704 is replaced by arginine, an amino acid with highly similar properties. This amino acid position is well conserved in available vertebrate species. In addition, this alteration is predicted to be tolerated by in silico analysis. Since supporting evidence is limited at this time, the clinical significance of this alteration remains unclear.

PreventionGenetics, part of Exact Sciences
Classification: Uncertain significance for DICER1-related condition. Last evaluated: 2025-01-04. Review status: criteria provided, single submitter. Criteria: ACMG Guidelines, 2015. Collection method: clinical testing. Allele origin: germline.
Comment: The DICER1 c.2111A>G variant is predicted to result in the amino acid substitution p.Lys704Arg. To our knowledge, this variant has not been reported in the literature. This variant is reported in 0.0054% of alleles in individuals of East Asian descent in gnomAD and is interpreted as uncertain in ClinVar. At this time, the clinical significance of this variant is uncertain due to the absence of conclusive functional and genetic evidence.

Labcorp Genetics (formerly Invitae), Labcorp
Classification: Uncertain significance for DICER1-related tumor predisposition. Last evaluated: 2024-12-26. Review status: criteria provided, single submitter. Criteria: Invitae Variant Classification Sherloc (09022015). Collection method: clinical testing. Allele origin: germline.
Comment: This sequence change replaces lysine, which is basic and polar, with arginine, which is basic and polar, at codon 704 of the DICER1 protein (p.Lys704Arg). This variant is present in population databases (rs749428279, gnomAD 0.006%). This variant has not been reported in the literature in individuals affected with DICER1-related conditions. ClinVar contains an entry for this variant (Variation ID: 479638). Invitae Evidence Modeling of protein sequence and biophysical properties (such as structural, functional, and spatial information, amino acid conservation, physicochemical variation, residue mobility, and thermodynamic stability) indicates that this missense variant is not expected to disrupt DICER1 protein function with a negative predictive value of 95%. In summary, the available evidence is currently insufficient to determine the role of this variant in disease. Therefore, it has been classified as a Variant of Uncertain Significance.

Hereditary Cancer Group, L’Institut d'Investigació Biomèdica de Bellvitge
Classification: Uncertain significance for Hereditary cancer-predisposing syndrome. Last evaluated: 2024-12-19. Review status: criteria provided, single submitter. Criteria: Hatton et al. (Hum Mutat. 2023). Collection method: clinical testing. Allele origin: germline. Inheritance: Autosomal dominant inheritance. Affected: yes.
Comment: BP4

Blueprint Genetics
Classification: Uncertain significance. Last evaluated: 2024-02-15. Review status: criteria provided, single submitter. Criteria: ACMG Guidelines, 2015. Collection method: clinical testing. Allele origin: germline.

Baylor Genetics
Classification: Uncertain significance for Global developmental delay - lung cysts - overgrowth - Wilms tumor syndrome. Last evaluated: 2023-06-02. Review status: criteria provided, single submitter. Criteria: ACMG Guidelines, 2015. Collection method: clinical testing. Allele origin: unknown.